The following is an entry in ClinVar:

NM_015978.3(TNNI3K):c.1418C>G (p.Ser473Cys)

Genes: FPGT-TNNI3K (FPGT-TNNI3K readthrough; plus strand), TNNI3K (TNNI3 interacting kinase; plus strand). Cytogenetic location: 1p31.1.
Variant type: single nucleotide variant.
Coding change: c.1418C>G on transcript NM_015978.3 (MANE Select); coding-DNA position 1418, C replaced by G.
Protein change: p.Ser473Cys; replaces serine 473 with cysteine.
Molecular consequence: missense variant.
Genome position (GRCh38, 1-based): chr1:74,369,210, C>G. VCF-style: chr1-74369210-C-G. GRCh37 (hg19) VCF-style: chr1-74834894-C-G.
Other names: c.1721C>G, p.Ser574Cys (NM_001112808.3, NM_001199327.2); short protein forms S574C, S473C.
Identifiers: ClinVar variation 3676454 (VCV003676454.2).

ClinVar aggregate classification (germline): Uncertain significance (1 of 4 stars; one submission).

gnomAD v4.1: 1 of 1,609,772 alleles (0.000062%); highest among the groups gnomAD compares: Non-Finnish European, 0.000085%; no homozygotes.

Submission:

Labcorp Genetics (formerly Invitae), Labcorp
Classification: Uncertain significance. Last evaluated: 2025-01-27. Review status: criteria provided, single submitter. Criteria: Invitae Variant Classification Sherloc (09022015). Collection method: clinical testing. Allele origin: germline.
Comment: This sequence change replaces serine, which is neutral and polar, with cysteine, which is neutral and slightly polar, at codon 473 of the TNNI3K protein (p.Ser473Cys). This variant is present in population databases (rs765252624, gnomAD 0.0009%). This variant has not been reported in the literature in individuals affected with TNNI3K-related conditions. Invitae Evidence Modeling of protein sequence and biophysical properties (such as structural, functional, and spatial information, amino acid conservation, physicochemical variation, residue mobility, and thermodynamic stability) has been performed for this missense variant. However, the output from this modeling did not meet the statistical confidence thresholds required to predict the impact of this variant on TNNI3K protein function. In summary, the available evidence is currently insufficient to determine the role of this variant in disease. Therefore, it has been classified as a Variant of Uncertain Significance.